The following is an entry in ClinVar:

NM_002335.4(LRP5):c.2564G>A (p.Ser855Asn)

Gene: LRP5 (LDL receptor related protein 5; plus strand). Cytogenetic location: 11q13.2.
Variant type: single nucleotide variant.
Coding change: c.2564G>A on transcript NM_002335.4 (MANE Select); coding-DNA position 2564, G replaced by A.
Protein change: p.Ser855Asn; replaces serine 855 with asparagine.
Molecular consequence: missense variant.
Genome position (GRCh38, 1-based): chr11:68,413,749, G>A. VCF-style: chr11-68413749-G-A. GRCh37 (hg19) VCF-style: chr11-68181217-G-A.
Other names: c.821G>A, p.Ser274Asn (NM_001291902.2); short protein forms S274N, S855N.
Identifiers: ClinVar variation 1308788 (VCV001308788.2), dbSNP rs2153168056, ClinGen allele CA381618303.

ClinVar aggregate classification (germline): Uncertain significance (1 of 4 stars; one submission).

Submission:

GeneDx
Classification: Uncertain significance. Last evaluated: 2019-09-23. Review status: criteria provided, single submitter. Criteria: GeneDx Variant Classification Process June 2021. Collection method: clinical testing. Allele origin: germline. Affected: yes.
Comment: Not observed in large population cohorts (Lek et al., 2016); In silico analysis, which includes protein predictors and evolutionary conservation, supports that this variant does not alter protein structure/function; Has not been previously published as pathogenic or benign to our knowledge